The following is an entry in ClinVar:

NM_005359.6(SMAD4):c.1242dup (p.Asp415fs)

Gene: SMAD4 (SMAD family member 4; plus strand). Cytogenetic location: 18q21.2.
Variant type: Duplication.
Coding change: c.1242dup on transcript NM_005359.6 (MANE Select); coding-DNA position 1242, one base duplicated (A; older notation c.1242dupA).
Protein change: p.Asp415fs; shifts the reading frame from aspartic acid 415.
Molecular consequence: frameshift variant.
Genome position (GRCh38, 1-based): chr18:51,067,121, A duplicated. VCF-style (leftmost placement, unchanged base first): chr18-51067120-T-TA. GRCh37 (hg19) VCF-style: chr18-48593490-T-TA.
Other names: c.1242dupA (NM_005359.5); short protein forms D415fs.
Identifiers: ClinVar variation 183978 (VCV000183978.3), dbSNP rs786201200, ClinGen allele CA187376.

ClinVar aggregate classification (germline): Pathogenic (1 of 4 stars; one submission).

Conditions:
Hereditary cancer-predisposing syndrome. Also called: Tumor predisposition; Hereditary Cancer Syndrome; Hereditary neoplastic syndrome; Neoplastic Syndromes, Hereditary. Identifiers: Orphanet 140162, MedGen C0027672, MeSH D009386, MONDO:0015356.

Submission:

Ambry Genetics
Classification: Pathogenic for Hereditary cancer-predisposing syndrome. Last evaluated: 2014-10-31. Review status: criteria provided, single submitter. Criteria: Ambry Autosomal Dominant and X-Linked criteria (10/2015). Collection method: clinical testing. Allele origin: germline. Observed: 1 variant allele.
Comment: This alteration is expected to result in loss of function by premature protein truncation or nonsense-mediatedâ€¯mRNAâ€¯decay.â€¯As such, this alteration is interpreted as a disease-causing mutation.